The following is an entry in ClinVar:

NM_015909.4(NBAS):c.4462T>G (p.Ser1488Ala)

Gene: NBAS (NBAS subunit of NRZ tethering complex; minus strand). Cytogenetic location: 2p24.3.
Variant type: single nucleotide variant.
Coding change: c.4462T>G on transcript NM_015909.4 (MANE Select); coding-DNA position 4462, T replaced by G.
Protein change: p.Ser1488Ala; replaces serine 1488 with alanine.
Molecular consequence: missense variant. On other transcripts: non-coding transcript variant (1).
Genome position (GRCh38, 1-based): chr2:15,327,870, A>C on the plus strand (T>G on the coding strand, the complement: NBAS is on the minus strand). VCF-style: chr2-15327870-A-C. GRCh37 (hg19) VCF-style: chr2-15467994-A-C.
Other names: c.4462T>G (NM_015909.2); short protein forms S1488A.
Identifiers: ClinVar variation 1402307 (VCV001402307.6), dbSNP rs767036963, ClinGen allele CA1535627.

ClinVar aggregate classification (germline): Uncertain significance. Review status: criteria provided, multiple submitters, no conflicts (2 of 4 stars). 2 submissions from 2 submitters: Uncertain significance (2). Last evaluated 2025-04-16.

Conditions:
Inborn genetic diseases. Identifiers: MedGen C0950123, MeSH D030342.

Allele frequency attached by ClinVar (database versions not stated): gnomAD exomes below 0.00001; ExAC 0.00001.
gnomAD v4.1: 2 of 1,613,516 alleles (0.00012%); highest among the groups gnomAD compares: Non-Finnish European, 0.000085%; no homozygotes.

Submissions (2):

Ambry Genetics
Classification: Uncertain significance for Inborn genetic diseases. Last evaluated: 2025-04-16. Review status: criteria provided, single submitter. Criteria: Ambry Variant Classification Scheme 2023. Collection method: clinical testing. Allele origin: germline.

Labcorp Genetics (formerly Invitae), Labcorp
Classification: Uncertain significance. Last evaluated: 2022-09-19. Review status: criteria provided, single submitter. Criteria: Invitae Variant Classification Sherloc (09022015). Collection method: clinical testing. Allele origin: germline.
Comment: This sequence change replaces serine, which is neutral and polar, with alanine, which is neutral and non-polar, at codon 1488 of the NBAS protein (p.Ser1488Ala). This variant is present in population databases (rs767036963, gnomAD 0.003%). This variant has not been reported in the literature in individuals affected with NBAS-related conditions. ClinVar contains an entry for this variant (Variation ID: 1402307). Algorithms developed to predict the effect of missense changes on protein structure and function output the following: SIFT: "Deleterious"; PolyPhen-2: "Benign"; Align-GVGD: "Class C0". The alanine amino acid residue is found in multiple mammalian species, which suggests that this missense change does not adversely affect protein function. In summary, the available evidence is currently insufficient to determine the role of this variant in disease. Therefore, it has been classified as a Variant of Uncertain Significance.